The following is an entry in ClinVar:

ClinVar aggregate classification (germline): Uncertain significance (1 of 4 stars; one submission).

Conditions:
Amyloidosis, hereditary systemic 1 (AMYLD1). Also called: Familial amyloid polyneuropathy; AMYLOID CARDIOMYOPATHY; Transthyretin Amyloidosis; Hereditary oculoleptomeningeal amyloid angiopathy; Familial Transthyretin Amyloidosis; Isolated Cardiac Amyloidosis. Identifiers: Orphanet 85447, Orphanet 85451, MedGen C2751492, MONDO:0971004, OMIM 105210.

gnomAD v4.1: 1 of 1,614,190 alleles (0.000062%); highest among the groups gnomAD compares: South Asian, 0.0011%; no homozygotes.

Submission:

Labcorp Genetics (formerly Invitae), Labcorp
Classification: Uncertain significance for Amyloidosis, hereditary systemic 1. Last evaluated: 2024-06-25. Review status: criteria provided, single submitter. Criteria: Invitae Variant Classification Sherloc (09022015). Collection method: clinical testing. Allele origin: germline.
Comment: This sequence change replaces valine, which is neutral and non-polar, with alanine, which is neutral and non-polar, at codon 141 of the TTR protein (p.Val141Ala). This variant is not present in population databases (gnomAD no frequency). This variant has not been reported in the literature in individuals affected with TTR-related conditions. Advanced modeling of protein sequence and biophysical properties (such as structural, functional, and spatial information, amino acid conservation, physicochemical variation, residue mobility, and thermodynamic stability) performed at Invitae indicates that this missense variant is expected to disrupt TTR protein function with a positive predictive value of 95%. In summary, the available evidence is currently insufficient to determine the role of this variant in disease. Therefore, it has been classified as a Variant of Uncertain Significance.

NM_000371.4(TTR):c.422T>C (p.Val141Ala)

Gene: TTR (transthyretin; plus strand). Cytogenetic location: 18q12.1.
Variant type: single nucleotide variant.
Coding change: c.422T>C on transcript NM_000371.4 (MANE Select); coding-DNA position 422, T replaced by C.
Protein change: p.Val141Ala; replaces valine 141 with alanine.
Molecular consequence: missense variant.
Genome position (GRCh38, 1-based): chr18:31,598,653, T>C. VCF-style: chr18-31598653-T-C. GRCh37 (hg19) VCF-style: chr18-29178616-T-C.
Other names: short protein forms V141A.
Identifiers: ClinVar variation 3631290 (VCV003631290.2).
Genomic context (GRCh38, chr18:31,598,653, plus strand): 5'-GCCCCCGCCGCTACACCATTGCCGCCCTGCTGAGCCCCTACTCCTATTCCACCACGGCTG[T>C]CGTCACCAATCCCAAGGAATGAGGGACTTCTCCTCCAGTGGACCTGAAGGACGAGGGATG-3'
Protein context (NP_000362.1, residues 131-147): LSPYSYSTTA[Val141Ala]VTNPKE